The following is an entry in ClinVar:

ClinVar aggregate classification (germline): Uncertain significance (1 of 4 stars; one submission).

Conditions:
Leigh syndrome (NULS). Also called: Leigh's necrotizing encephalopathy; Leigh's disease; Leigh Syndrome (mtDNA deletion); Leigh Disease; Subacute necrotizing encephalopathy; Necrotizing encephalopathy infantile subacute of Leigh. Identifiers: Orphanet 506, MedGen C2931891, MONDO:0009723, OMIM 256000.

Submission:

Wong Mito Lab, Molecular and Human Genetics, Baylor College of Medicine
Classification: Uncertain significance for Leigh syndrome. Last evaluated: 2019-10-17. Review status: criteria provided, single submitter. Criteria: Modified ACMG Guidelines (Unpublished). Collection method: clinical testing. Allele origin: germline.
Comment: The NC_012920.1:m.13436C>A (YP_003024036.1:p.Pro367His) variant in MTND5 gene is interpretated to be a Uncertain Significance variant based on the modified ACMG guidelines (unpublished). This variant meets the following evidence codes: PP7

NC_012920.1(MT-ND5):m.13436C>A

Gene: MT-ND5 (mitochondrially encoded NADH dehydrogenase 5; plus strand).
Variant type: single nucleotide variant.
Genome position: chrM-13436-C-A.
Identifiers: ClinVar variation 693554 (VCV000693554.1), dbSNP rs1603224188, ClinGen allele CA414817990.
Genomic context (GRCh38, chrMT:13,436, plus strand): 5'-TCCACAACCTTAACAATGAACAAGATATTCGAAAAATAGGAGGACTACTCAAAACCATAC[C>A]TCTCACTTCAACCTCCCTCACCATTGGCAGCCTAGCATTAGCAGGAATACCTTTCCTCAC-3'